The following is an entry in ClinVar:

ClinVar aggregate classification (germline): Uncertain significance. Review status: criteria provided, multiple submitters, no conflicts (2 of 4 stars). 2 submissions from 2 submitters: Uncertain significance (2). Last evaluated 2024-01-17.

Conditions:
Hereditary cancer-predisposing syndrome. Also called: Hereditary neoplastic syndrome; Hereditary Cancer Syndrome; Neoplastic Syndromes, Hereditary; Tumor predisposition. Identifiers: Orphanet 140162, MedGen C0027672, MeSH D009386, MONDO:0015356.
DICER1-related tumor predisposition. Also called: DICER1-related pleuropulmonary blastoma cancer predisposition syndrome; DICER1 syndrome. Identifiers: Orphanet 284343, MedGen C3839822, MONDO:0100216.

Submissions (2):

Ambry Genetics
Classification: Uncertain significance for Hereditary cancer-predisposing syndrome. Last evaluated: 2024-01-17. Review status: criteria provided, single submitter. Criteria: Ambry Variant Classification Scheme 2023. Collection method: clinical testing. Allele origin: germline.
Comment: The p.A12T variant (also known as c.34G>A), located in coding exon 1 of the DICER1 gene, results from a G to A substitution at nucleotide position 34. The alanine at codon 12 is replaced by threonine, an amino acid with similar properties. This amino acid position is highly conserved in available vertebrate species. In addition, the in silico prediction for this alteration is inconclusive. Based on the available evidence, the clinical significance of this alteration remains unclear.

Labcorp Genetics (formerly Invitae), Labcorp
Classification: Uncertain significance for DICER1-related tumor predisposition. Last evaluated: 2022-12-24. Review status: criteria provided, single submitter. Criteria: Invitae Variant Classification Sherloc (09022015). Collection method: clinical testing. Allele origin: germline.
Comment: This sequence change replaces alanine, which is neutral and non-polar, with threonine, which is neutral and polar, at codon 12 of the DICER1 protein (p.Ala12Thr). This variant is not present in population databases (gnomAD no frequency). This variant has not been reported in the literature in individuals affected with DICER1-related conditions. Algorithms developed to predict the effect of missense changes on protein structure and function are either unavailable or do not agree on the potential impact of this missense change (SIFT: "Deleterious"; PolyPhen-2: "Probably Damaging"; Align-GVGD: "Class C0"). In summary, the available evidence is currently insufficient to determine the role of this variant in disease. Therefore, it has been classified as a Variant of Uncertain Significance.

NM_177438.3(DICER1):c.34G>A (p.Ala12Thr)

Gene: DICER1 (dicer 1, ribonuclease III; minus strand). Cytogenetic location: 14q32.13.
Variant type: single nucleotide variant.
Coding change: c.34G>A on transcript NM_177438.3 (MANE Select); coding-DNA position 34, G replaced by A.
Protein change: p.Ala12Thr; replaces alanine 12 with threonine.
Molecular consequence: missense variant. On other transcripts: 5 prime UTR variant (8), non-coding transcript variant (6), intron variant (1).
Genome position (GRCh38, 1-based): chr14:95,133,425, C>T on the plus strand (G>A on the coding strand, the complement: DICER1 is on the minus strand). VCF-style: chr14-95133425-C-T. GRCh37 (hg19) VCF-style: chr14-95599762-C-T.
Other names: c.-1535G>A (NM_001395697.1); c.-241G>A (NM_001395698.1, NM_001395686.1, NM_001395688.1 and 3 more transcripts); c.34G>A, p.Ala12Thr (NM_001395699.1, NM_001395700.1, NM_030621.4 and 15 more transcripts); c.-130-748G>A (NM_001395687.1); c.-425G>A (NM_001395691.1); short protein forms A12T.
Identifiers: ClinVar variation 2729199 (VCV002729199.4), dbSNP rs1566816656, ClinGen allele CA390890740.